The following is an entry in ClinVar:

NM_006929.5(SKIC2):c.1120C>T (p.Arg374Ter)

Genes: SKIC2 (SKI2 subunit of superkiller complex; plus strand), LOC126859653 (CDK7 strongly-dependent group 2 enhancer GRCh37_chr6:31929542-31930741; plus strand). Cytogenetic location: 6p21.33.
Variant type: single nucleotide variant.
Coding change: c.1120C>T on transcript NM_006929.5 (MANE Select); coding-DNA position 1120, C replaced by T.
Protein change: p.Arg374Ter; replaces arginine 374 with a stop codon.
Molecular consequence: nonsense.
Genome position (GRCh38, 1-based): chr6:31,962,494, C>T. VCF-style: chr6-31962494-C-T. GRCh37 (hg19) VCF-style: chr6-31930271-C-T.
Other names: SKIC2, ARG374TER (rs200818962); short protein forms R374*.
Identifiers: ClinVar variation 235728 (VCV000235728.19), dbSNP rs200818962, ClinGen allele CA3729360.

ClinVar aggregate classification (germline): Pathogenic. Review status: criteria provided, multiple submitters, no conflicts (2 of 4 stars). 5 submissions from 5 submitters: Pathogenic (3). 2 of the submissions do not count toward it. Last evaluated 2025-07-21.

Conditions:
SKIC2-related disorder. Also called: SKIC2-related condition.
Trichohepatoenteric syndrome 2 (THES2). Identifiers: Orphanet 84064, MedGen C3281289, MONDO:0013818, OMIM 614602.

Allele frequency attached by ClinVar (database versions not stated): ExAC 0.00002; gnomAD exomes 0.00002; TOPMed 0.00009; gnomAD 0.00011; 1000 Genomes Project 0.00020; 1000 Genomes Project 30x 0.00031.
gnomAD v4.1: 39 of 1,614,048 alleles (0.0024%); highest among the groups gnomAD compares: African/African-American, 0.021%; no homozygotes.

Submissions (5):

Labcorp Genetics (formerly Invitae), Labcorp
Classification: Pathogenic. Last evaluated: 2025-07-21. Review status: criteria provided, single submitter. Criteria: Invitae Variant Classification Sherloc (09022015). Collection method: clinical testing. Allele origin: germline.
Comment: This sequence change creates a premature translational stop signal (p.Arg374*) in the SKIV2L gene. It is expected to result in an absent or disrupted protein product. Loss-of-function variants in SKIV2L are known to be pathogenic (PMID: 22444670). This variant is present in population databases (rs200818962, gnomAD 0.02%). This premature translational stop signal has been observed in individual(s) with trichohepatoenteric syndrome (PMID: 27431780). ClinVar contains an entry for this variant (Variation ID: 235728). For these reasons, this variant has been classified as Pathogenic.

Center for Pediatric Genomic Medicine, Children's Mercy Hospital and Clinics
Classification: Pathogenic. Last evaluated: 2016-04-28. Review status: criteria provided, single submitter. Criteria: ACMG Guidelines, 2015. Collection method: clinical testing. Allele origin: germline.

Juno Genomics, Hangzhou Juno Genomics, Inc
Classification: Pathogenic for Trichohepatoenteric syndrome 2. Review status: criteria provided, single submitter. Criteria: ACMG Guidelines, 2015. Collection method: clinical testing. Allele origin: germline.
Comment: Absent from controls (or at extremely low frequency if recessive) in Genome Aggregation Database.;Null variant in a gene where loss of function (LOF) is a known mechanism of disease.;For recessive disorders, detected in trans with a pathogenic variant.;Patient's phenotype or family history is highly specific for a disease with a single genetic etiology.

PreventionGenetics, part of Exact Sciences
Classification: Pathogenic for SKIC2-related condition. Last evaluated: 2024-09-20. Review status: no assertion criteria provided. Collection method: clinical testing. Allele origin: germline. Not counted in ClinVar's aggregate classification.
Comment: The SKIC2 c.1120C>T variant is predicted to result in premature protein termination (p.Arg374*). This gene has an alternate name SKIV2L. This variant has been reported in the homozygous state in an individual with fetal microcephaly (Wang et al. 2023. PubMed ID: 37229200). This variant has been reported in the compound heterozygous state in an individual with trichohepatoenteric syndrome (Zheng et al. 2016. PubMed ID: 27431780). This variant has also been reported with a second missense variant in the same gene in an individual with primary immunodeficiency (Table E1, Stray-Pedersen et al. 2017. PubMed ID: 27577878). This variant is reported in 0.024% of alleles in individuals of African descent in gnomAD. Nonsense variants in SKIC2 are expected to be pathogenic. This variant is interpreted as pathogenic.

OMIM
Classification: Pathogenic for TRICHOHEPATOENTERIC SYNDROME 2. Last evaluated: 2022-10-10. Review status: no assertion criteria provided. Collection method: literature only. Allele origin: germline. Not counted in ClinVar's aggregate classification.

Literature cited by the submitters: PubMed 22444670 (cited by Labcorp Genetics (formerly Invitae), Labcorp); PubMed 27431780 (cited by Labcorp Genetics (formerly Invitae), Labcorp and OMIM).